The following is an entry in ClinVar:

NM_018127.7(ELAC2):c.1424-9T>G

Gene: ELAC2 (elaC ribonuclease Z 2; minus strand). Cytogenetic location: 17p12.
Variant type: single nucleotide variant.
Coding change: c.1424-9T>G on transcript NM_018127.7 (MANE Select); 9 bases into the intron before coding-DNA position 1424, T replaced by G.
Molecular consequence: intron variant.
Genome position (GRCh38, 1-based): chr17:12,998,517, A>C on the plus strand (T>G on the coding strand, the complement: ELAC2 is on the minus strand). VCF-style: chr17-12998517-A-C. GRCh37 (hg19) VCF-style: chr17-12901834-A-C.
Other names: c.1304-9T>G (NM_001165962.2); c.1421-9T>G (NM_173717.2).
Identifiers: ClinVar variation 4708582 (VCV004708582.2).

ClinVar aggregate classification (germline): Conflicting classifications of pathogenicity. Review status: criteria provided, conflicting classifications (1 of 4 stars). 2 submissions from 2 submitters: Uncertain significance (1); Likely benign (1). Last evaluated 2025-09-12.

Conditions:
Combined oxidative phosphorylation defect type 17. Also called: Combined oxidative phosphorylation deficiency 17. Identifiers: Orphanet 369913, MedGen C3809526, MONDO:0014190, OMIM 615440.

Submissions (2):

Labcorp Genetics (formerly Invitae), Labcorp
Classification: Uncertain significance for Combined oxidative phosphorylation defect type 17. Last evaluated: 2025-09-12. Review status: criteria provided, single submitter. Criteria: Invitae Variant Classification Sherloc (09022015). Collection method: clinical testing. Allele origin: germline.
Comment: This sequence change falls in intron 15 of the ELAC2 gene. It does not directly change the encoded amino acid sequence of the ELAC2 protein. This variant is present in population databases (no rsID available, gnomAD 0.006%). This variant has not been reported in the literature in individuals affected with ELAC2-related conditions. Algorithms developed to predict the effect of sequence changes on RNA splicing suggest that this variant may disrupt the consensus splice site. In summary, the available evidence is currently insufficient to determine the role of this variant in disease. Therefore, it has been classified as a Variant of Uncertain Significance.

Blueprint Genetics
Classification: Likely benign. Last evaluated: 2022-09-16. Review status: criteria provided, single submitter. Criteria: ACMG Guidelines, 2015. Collection method: clinical testing. Allele origin: germline.